The following is an entry in ClinVar:

NM_024817.3(THSD4):c.666G>A (p.Gly222=)

Gene: THSD4 (thrombospondin type 1 domain containing 4; plus strand). Cytogenetic location: 15q23.
Variant type: single nucleotide variant.
Coding change: c.666G>A on transcript NM_024817.3 (MANE Select); coding-DNA position 666, G replaced by A.
Protein change: p.Gly222=; no amino-acid change (glycine 222 retained).
Molecular consequence: synonymous variant.
Genome position (GRCh38, 1-based): chr15:71,242,850, G>A. VCF-style: chr15-71242850-G-A. GRCh37 (hg19) VCF-style: chr15-71535189-G-A.
Other names: c.666G>A (NM_024817.2); c.666G>A, p.Gly222= (NM_001394532.1).
Identifiers: ClinVar variation 2645500 (VCV002645500.25), dbSNP rs368631099, ClinGen allele CA7639089.
Genomic context (GRCh38, chr15:71,242,850, plus strand): 5'-GGGAGCATCTTCTGCTAGGCATGGCTACAGTTCACCAGCCCACCAGGTCCCCCAACATGG[G>A]CCTTTGTACCAAAGTGACAGTGGCCCTCGCTCTGGACTGCAGGCTGCGGAGGCCCCCATC-3'
Protein context (NP_079093.2, residues 212-232): SSPAHQVPQH[Gly222=]PLYQSDSGPR

ClinVar aggregate classification (germline): Likely benign. Review status: criteria provided, multiple submitters, no conflicts (2 of 4 stars). 2 submissions from 2 submitters: Likely benign (2). Last evaluated 2023-04-20.

Conditions:
Familial thoracic aortic aneurysm and aortic dissection (TAAD). Also called: Thoracic aortic aneurysms and dissections. Identifiers: Orphanet 91387, MedGen C4707243, MONDO:0019625.

Allele frequency attached by ClinVar (database versions not stated): ESP Exome Variant Server 0.00008.
gnomAD v4.1: 224 of 1,614,072 alleles (0.014%); highest among the groups gnomAD compares: Non-Finnish European, 0.018%; no homozygotes.

Submissions (2):

CHEO Genetics Diagnostic Laboratory, Children's Hospital of Eastern Ontario
Classification: Likely benign for Familial thoracic aortic aneurysm and aortic dissection. Last evaluated: 2023-04-20. Review status: criteria provided, single submitter. Criteria: ACMG Guidelines, 2015. Collection method: clinical testing. Allele origin: germline.

CeGaT Center for Human Genetics Tuebingen
Classification: Likely benign. Last evaluated: 2023-02-01. Review status: criteria provided, single submitter. Criteria: CeGaT Center For Human Genetics Tuebingen Variant Classification Criteria Version 2. Collection method: clinical testing. Allele origin: germline. Affected: yes. Observed: 1 variant allele.
Comment: THSD4: BP4, BP7